The following is an entry in ClinVar:

ClinVar aggregate classification (germline): Uncertain significance (1 of 4 stars; one submission).

Conditions:
Autosomal dominant limb-girdle muscular dystrophy type 1F (LGMDD2). Also called: Limb-girdle muscular dystrophy, type 1F; MUSCULAR DYSTROPHY, LIMB-GIRDLE, AUTOSOMAL DOMINANT 2. Identifiers: Orphanet 55595, MedGen C1842062, MONDO:0012034, OMIM 608423.

Submission:

Labcorp Genetics (formerly Invitae), Labcorp
Classification: Uncertain significance for Autosomal dominant limb-girdle muscular dystrophy type 1F. Last evaluated: 2025-04-14. Review status: criteria provided, single submitter. Criteria: Invitae Variant Classification Sherloc (09022015). Collection method: clinical testing. Allele origin: germline.
Comment: This sequence change creates a premature translational stop signal (p.Cys60*) in the TNPO3 gene. It is expected to result in an absent or disrupted protein product. However, the current clinical and genetic evidence is not sufficient to establish whether loss-of-function variants in TNPO3 cause disease. This variant is not present in population databases (gnomAD no frequency). This variant has not been reported in the literature in individuals affected with TNPO3-related conditions. In summary, the available evidence is currently insufficient to determine the role of this variant in disease. Therefore, it has been classified as a Variant of Uncertain Significance.

NM_012470.4(TNPO3):c.180C>A (p.Cys60Ter)

Gene: TNPO3 (transportin 3; minus strand). Cytogenetic location: 7q32.1.
Variant type: single nucleotide variant.
Coding change: c.180C>A on transcript NM_012470.4 (MANE Select); coding-DNA position 180, C replaced by A.
Protein change: p.Cys60Ter; replaces cysteine 60 with a stop codon.
Molecular consequence: nonsense. On other transcripts: non-coding transcript variant (18).
Genome position (GRCh38, 1-based): chr7:129,018,098, G>T on the plus strand (C>A on the coding strand, the complement: TNPO3 is on the minus strand). VCF-style: chr7-129018098-G-T. GRCh37 (hg19) VCF-style: chr7-128658152-G-T.
Other names: c.180C>A, p.Cys60Ter (NM_001191028.3, NM_001382216.1, NM_001382217.1 and 6 more transcripts); short protein forms C60*.
Identifiers: ClinVar variation 4716565 (VCV004716565.1).